The following is an entry in ClinVar:

ClinVar aggregate classification (germline): Uncertain significance (1 of 4 stars; one submission).

Conditions:
Inborn genetic diseases. Identifiers: MedGen C0950123, MeSH D030342.

Submission:

Ambry Genetics
Classification: Uncertain significance for Inborn genetic diseases. Last evaluated: 2026-08-05. Review status: criteria provided, single submitter. Criteria: Ambry Variant Classification Scheme 2023. Collection method: clinical testing. Allele origin: germline.
Comment: The p.R124Q variant (also known as c.371G>A), located in coding exon 4 of the DDX41 gene, results from a G to A substitution at nucleotide position 371. The arginine at codon 124 is replaced by glutamine, an amino acid with highly similar properties. This amino acid position is highly conserved in available vertebrate species. In addition, the in silico prediction for this alteration is inconclusive. Based on the available evidence, the clinical significance of this variant remains unclear.

NM_016222.4(DDX41):c.371G>A (p.Arg124Gln)

Gene: DDX41 (DEAD-box helicase 41; minus strand). Cytogenetic location: 5q35.3.
Variant type: single nucleotide variant.
Coding change: c.371G>A on transcript NM_016222.4 (MANE Select); coding-DNA position 371, G replaced by A.
Protein change: p.Arg124Gln; replaces arginine 124 with glutamine.
Molecular consequence: missense variant. On other transcripts: 5 prime UTR variant (2).
Genome position (GRCh38, 1-based): chr5:177,516,121, C>T on the plus strand (G>A on the coding strand, the complement: DDX41 is on the minus strand). VCF-style: chr5-177516121-C-T. GRCh37 (hg19) VCF-style: chr5-176943122-C-T.
Other names: c.-8G>A (NM_001321732.2, NM_001321830.2); short protein forms R124Q.
Identifiers: ClinVar variation 5035164 (VCV005035164.1).